The following is an entry in ClinVar:

NM_000277.3(PAH):c.842C>T (p.Pro281Leu)

Gene: PAH (phenylalanine hydroxylase; minus strand). Cytogenetic location: 12q23.2.
Variant type: single nucleotide variant.
Coding change: c.842C>T on transcript NM_000277.3 (MANE Select); coding-DNA position 842, C replaced by T.
Protein change: p.Pro281Leu; replaces proline 281 with leucine.
Molecular consequence: missense variant.
Genome position (GRCh38, 1-based): chr12:102,852,815, G>A on the plus strand (C>T on the coding strand, the complement: PAH is on the minus strand). VCF-style: chr12-102852815-G-A. GRCh37 (hg19) VCF-style: chr12-103246593-G-A.
Other names: NM_000277.1(PAH):c.842C>T; c.842C>T (NM_000277.2); c.842C>T, p.Pro281Leu (NM_001354304.2); short protein forms P281L.
Identifiers: ClinVar variation 589 (VCV000000589.144), dbSNP rs5030851, ClinGen allele CA220589.

ClinVar aggregate classification (germline): Likely pathogenic. Review status: reviewed by expert panel (3 of 4 stars). 30 submissions from 30 submitters: Likely pathogenic (1). 29 of the submissions do not count toward it. Last evaluated 2018-08-27.

Conditions:
PAH-related disorder. Also called: PAH-related condition.
Inborn genetic diseases. Identifiers: MedGen C0950123, MeSH D030342.
Phenylketonuria (PKU). Also called: FOLLING DISEASE; OLIGOPHRENIA PHENYLPYRUVICA; Phenylketonurias; Phenylketonuria (PKU). Identifiers: Orphanet 716, MedGen C0031485, MONDO:0009861, OMIM 261600. Disease mechanism: loss of function.

Allele frequency attached by ClinVar (database versions not stated): gnomAD exomes 0.00010; ExAC 0.00010; gnomAD 0.00010; TOPMed 0.00015.
gnomAD v4.1: 201 of 1,613,880 alleles (0.012%); highest among the groups gnomAD compares: Middle Eastern, 0.066%; no homozygotes.

Submissions 1 to 9 of 30:

ClinGen PAH Variant Curation Expert Panel
Classification: Likely pathogenic for Phenylketonuria. Last evaluated: 2018-08-27. Review status: reviewed by expert panel. Criteria: ClinGen PAH ACMG Specifications v1. Collection method: curation. Allele origin: germline. Inheritance: Autosomal recessive inheritance.
Comment: PAH-specific ACMG/AMP criteria applied: PP3: ; PS3: 2% activity in bioPKU (PAH0309) (PMID:25596310; PMID:17935162); PP4_Moderate: 2 patients with moderate or classical PKU; patients with severe PKU. BH4 deficiency ruled out. (PMID:15503242; PMID:12655553); PM3: IVS4-1G>A (P/LP) (PMID:15503242). In summary this variant meets criteria to be classified as likely pathogenic for phenylketonuria in an autosomal recessive manner based on the ACMG/AMP criteria applied as specified by the PAH Expert Panel: (PP3, PS3, PP4_Moderate, PM3).

CeGaT Center for Human Genetics Tuebingen
Classification: Pathogenic. Last evaluated: 2026-07-01. Review status: criteria provided, single submitter. Criteria: CeGaT Center For Human Genetics Tuebingen Variant Classification Criteria Version 2. Collection method: clinical testing. Allele origin: germline. Affected: yes. Observed: 15 variant alleles. Not counted in ClinVar's aggregate classification.
Comment: PAH: PM3:Very Strong, PM1, PM2, PM5, PP4:Moderate, PP3, PS3:Supporting

Labcorp Genetics (formerly Invitae), Labcorp
Classification: Pathogenic for Phenylketonuria. Last evaluated: 2026-01-21. Review status: criteria provided, single submitter. Criteria: Invitae Variant Classification Sherloc (09022015). Collection method: clinical testing. Allele origin: germline. Not counted in ClinVar's aggregate classification.
Comment: This sequence change replaces proline, which is neutral and non-polar, with leucine, which is neutral and non-polar, at codon 281 of the PAH protein (p.Pro281Leu). This variant is present in population databases (rs5030851, gnomAD 0.02%). This missense change has been observed in individual(s) with PAH-related conditions (PMID: 1672294, 21871829, 25596310; internal data). In at least one individual the data is consistent with being in trans (on the opposite chromosome) from a pathogenic variant. ClinVar contains an entry for this variant (Variation ID: 589). An algorithm developed to predict the effect of missense changes on protein structure and function (PolyPhen-2) suggests that this variant is likely to be disruptive. Experimental studies have shown that this missense change affects PAH function (PMID: 1672294, 17935162, 21953985). For these reasons, this variant has been classified as Pathogenic.

Natera, Inc.
Classification: Pathogenic for Phenylketonuria. Last evaluated: 2025-11-17. Review status: criteria provided, single submitter. Criteria: Natera Variant Classification Schema (03/2026). Collection method: clinical testing. Allele origin: germline. Not counted in ClinVar's aggregate classification.
Comment: The c.842C>T variant in PAH is a missense variant predicted to cause substitution of proline to leucine at amino acid 281. This variant is rare in the general population with a frequency below the threshold expected for the associated phenotype(s). This variant has been observed in one or more individuals affected with the associated recessive disease, as either homozygous or compound heterozygous with a second variant (PMID: 26542770). Computational prediction algorithms indicate this variant is likely to affect gene or protein function. Given the available evidence, this variant is classified as Pathogenic.

PreventionGenetics, part of Exact Sciences
Classification: Pathogenic for PAH-related condition. Last evaluated: 2025-11-17. Review status: criteria provided, single submitter. Criteria: ACMG Guidelines, 2015. Collection method: clinical testing. Allele origin: germline. Not counted in ClinVar's aggregate classification.
Comment: The PAH c.842C>T variant is predicted to result in the amino acid substitution p.Pro281Leu. This variant is a recurrent variant that has been documented as causative for phenylalanine hydroxylase deficiency and has been associated with classical phenylketonuria (PKU) (e.g., Okano et al. 1991. PubMed ID: 2014036; Ellingsen et al. 1999, PubMed ID: 10471838; Trunzo et al. 2014, PubMed ID: 24296287; Hillert et al. 2020. PubMed ID: 32668217). The p.Pro281 amino acid resides in the cofactor binding site (CBR) region of the PAH enzyme, and the p.Pro281Leu substitution has been reported to reduce enzyme activity to ~1% of control and result in a mutant PAH protein that is non-responsive to BH4 (Zurflüh et al. 2008. PubMed ID: 17935162). This variant is classified as pathogenic or likely pathogenic by multiple outside laboratories, as well as the ClinGen PAH Variant Curation Expert Panel (Variation ID: 589). This variant is interpreted as pathogenic.

3billion
Classification: Pathogenic for Phenylketonuria. Last evaluated: 2025-11-13. Review status: criteria provided, single submitter. Criteria: ACMG Guidelines, 2015. Collection method: clinical testing. Allele origin: germline. Affected: yes. Not counted in ClinVar's aggregate classification.
Comment: The variant is observed at an extremely low frequency in the gnomAD v4.1.0 dataset (total allele frequency: 0.012%). Predicted Consequence/Location: The variant is located in a mutational hot spot and/or well-established functional domain in which established pathogenic variants have been reported. Functional studies provide strong evidence of the variant having a damaging effect on the gene or gene product (PMID: 17935162, 25596310). In silico tool predictions suggest damaging effect of the variant on gene or gene product [REVEL: 0.98 (>=0.6, sensitivity 0.68 and specificity 0.92); 3Cnet: 0.99 (> 0.75, sensitivity 0.96 and precision 0.92)]. The same nucleotide change resulting in the same amino acid change has been previously reported as pathogenic/likely pathogenic with strong evidence (ClinVar ID: VCV000000589 /PMID: 1672294 /3billion dataset). The variant has been reported to be in trans with a pathogenic variant as either compound heterozygous or homozygous in at least 4 similarly affected unrelated individuals (PMID: 26481238). Different missense changes at the same codon (p.Pro281Ala, p.Pro281Arg, p.Pro281His, p.Pro281Ser) have been reported as pathogenic/likely pathogenic with strong evidence (ClinVar ID: VCV000092749, VCV000120289, VCV001334639, VCV001458269 /PMID: 10598814, 12409276, 15171997). Therefore, this variant is classified as Pathogenic according to the recommendation of ACMG/AMP guideline.

Quest Diagnostics Nichols Institute San Juan Capistrano
Classification: Pathogenic. Last evaluated: 2025-08-18. Review status: criteria provided, single submitter. Criteria: Quest Diagnostics criteria. Collection method: clinical testing. Allele origin: unknown. Not counted in ClinVar's aggregate classification.
Comment: The PAH c.842C>T (p.Pro281Leu) variant has been reported in the published literature as homozygous or compound heterozygous with other pathogenic PAH variants in many individuals with PAH-related diseases (PMIDs: 30747360 (2019), 29749107 (2018), 25596310 (2015), 21871829 (2011), 20082265 (2010), 18294361 (2008), and 1672294 (1991)). An in vitro study indicated that the homozygous c.842C>T (p.Pro281Leu) variant could generate a full length splicing product and a shorter splicing product without exon 8. The full length product has minimal enzyme activity and the shorter product causes the premature termination of the PAH protein (PMID: 10471838 (1999)). Multiple other experimental studies have also confirmed that this variant results in diminished enzyme activity and protein expression (PMIDs: 25596310 (2015), 21953985 (2012), 17935162 (2008), 11161839 (2001), and 1672294 (1991)). This pathogenic variant is located in the catalytic domain of the PAH protein and is associated with classic PKU (PMID 20082265 (2010) and an online resource). Analysis of this variant using bioinformatics tools for the prediction of the effect of amino acid changes on protein structure and function yielded predictions that this variant is damaging. Based on the available information, this variant is classified as pathogenic.

Institute of Human Genetics, University of Leipzig Medical Center
Classification: Likely pathogenic for Phenylketonuria. Last evaluated: 2025-08-15. Review status: criteria provided, single submitter. Criteria: ACMG Guidelines, 2015. Collection method: clinical testing. Allele origin: unknown. Inheritance: Autosomal recessive inheritance. Affected: yes. Not counted in ClinVar's aggregate classification.
Comment: Criteria applied: PS3,PM3,PP4_MOD,PP3

Blueprint Genetics
Classification: Pathogenic for PAH-related disorders. Last evaluated: 2024-11-11. Review status: criteria provided, single submitter. Criteria: ACMG Guidelines, 2015. Collection method: clinical testing. Allele origin: germline. Affected: yes. Observed: 5 variant alleles. Not counted in ClinVar's aggregate classification.